The following is an entry in ClinVar:

ClinVar aggregate classification (germline): Conflicting classifications of pathogenicity. Review status: criteria provided, conflicting classifications (1 of 4 stars). 4 submissions from 4 submitters: Uncertain significance (2); Likely benign (1). 1 of the submissions does not count toward it. Last evaluated 2025-05-08.

Conditions:
Hereditary cancer-predisposing syndrome. Also called: Hereditary Cancer Syndrome; Hereditary neoplastic syndrome; Neoplastic Syndromes, Hereditary; Tumor predisposition. Identifiers: Orphanet 140162, MedGen C0027672, MeSH D009386, MONDO:0015356.
Hereditary breast ovarian cancer syndrome. Also called: Hereditary breast and ovarian cancer; Breast and ovarian cancer; Hereditary breast and ovarian cancer syndrome; Hereditary breast and/or ovarian cancer syndrome; BRCA1- and BRCA2-Associated Hereditary Breast and Ovarian Cancer; Hereditary breast and ovarian cancer syndrome (HBOC). Identifiers: Orphanet 145, MedGen C0677776, MeSH D061325, MONDO:0003582. Disease mechanism: loss of function.

Submissions (4):

Ambry Genetics
Classification: Likely benign for Hereditary cancer-predisposing syndrome. Last evaluated: 2025-05-08. Review status: criteria provided, single submitter. Criteria: Ambry Variant Classification Scheme 2023. Collection method: clinical testing. Allele origin: germline.

Labcorp Genetics (formerly Invitae), Labcorp
Classification: Uncertain significance for Hereditary breast ovarian cancer syndrome. Last evaluated: 2023-12-03. Review status: criteria provided, single submitter. Criteria: Invitae Variant Classification Sherloc (09022015). Collection method: clinical testing. Allele origin: germline.
Comment: This sequence change replaces proline, which is neutral and non-polar, with arginine, which is basic and polar, at codon 2762 of the BRCA2 protein (p.Pro2762Arg). This variant is not present in population databases (gnomAD no frequency). This missense change has been observed in individual(s) with BRCA2-related conditions (PMID: 31843900). ClinVar contains an entry for this variant (Variation ID: 441480). Advanced modeling of protein sequence and biophysical properties (such as structural, functional, and spatial information, amino acid conservation, physicochemical variation, residue mobility, and thermodynamic stability) performed at Invitae indicates that this missense variant is not expected to disrupt BRCA2 protein function with a negative predictive value of 95%. In summary, the available evidence is currently insufficient to determine the role of this variant in disease. Therefore, it has been classified as a Variant of Uncertain Significance.

Color Diagnostics, LLC DBA Color Health
Classification: Uncertain significance for Hereditary cancer-predisposing syndrome. Last evaluated: 2020-09-29. Review status: criteria provided, single submitter. Criteria: ACMG Guidelines, 2015. Collection method: clinical testing. Allele origin: germline.
Comment: This missense variant replaces proline with arginine at codon 2762 of the BRCA2 protein. Computational prediction is inconclusive regarding the impact of this variant on protein structure and function (internally defined REVEL score threshold 0.5 < inconclusive < 0.7, PMID: 27666373). To our knowledge, functional studies have not been reported for this variant. This variant has not been reported in individuals affected with hereditary cancer in the literature. This variant has not been identified in the general population by the Genome Aggregation Database (gnomAD). The available evidence is insufficient to determine the role of this variant in disease conclusively. Therefore, this variant is classified as a Variant of Uncertain Significance.

King Laboratory, University of Washington
Classification: Benign. Last evaluated: 2019-09-01. Review status: no assertion criteria provided. Collection method: research. Allele origin: germline. Affected: yes. Not counted in ClinVar's aggregate classification.
Comment: Transcript analysis by cBROCA

Literature cited by the submitters: PubMed 31843900 (cited by Labcorp Genetics (formerly Invitae), Labcorp and King Laboratory, University of Washington).

NM_000059.4(BRCA2):c.8285C>G (p.Pro2762Arg)

Gene: BRCA2 (BRCA2 DNA repair associated; plus strand). Cytogenetic location: 13q13.1.
Variant type: single nucleotide variant.
Coding change: c.8285C>G on transcript NM_000059.4 (MANE Select); coding-DNA position 8285, C replaced by G.
Protein change: p.Pro2762Arg; replaces proline 2762 with arginine.
Molecular consequence: missense variant.
Genome position (GRCh38, 1-based): chr13:32,363,487, C>G. VCF-style: chr13-32363487-C-G. GRCh37 (hg19) VCF-style: chr13-32937624-C-G.
Other names: short protein forms P2762R.
Identifiers: ClinVar variation 441480 (VCV000441480.14), dbSNP rs398122600, ClinGen allele CA387750102.